The following is an entry in ClinVar:

ClinVar aggregate classification (germline): Pathogenic. Review status: criteria provided, multiple submitters, no conflicts (2 of 4 stars). 2 submissions from 2 submitters: Pathogenic (2). Last evaluated 2023-06-01.

Conditions:
Fanconi anemia complementation group J. Also called: BRIP1-Related Fanconi Anemia. Identifiers: Orphanet 84, MedGen C1836860, MONDO:0012187, OMIM 609054.
Familial cancer of breast. Also called: BREAST CANCER, FAMILIAL; hereditary breast carcinoma; Hereditary breast cancer. Identifiers: Orphanet 227535, MedGen C0346153, MONDO:0016419, OMIM 114480. Disease mechanism: loss of function.

Submissions (2):

Myriad Genetics, Inc.
Classification: Pathogenic for Familial cancer of breast. Last evaluated: 2023-06-01. Review status: criteria provided, single submitter. Criteria: Myriad Autosomal Dominant, Autosomal Recessive and X-Linked Classification Criteria (2023). Collection method: clinical testing. Allele origin: unknown.
Comment: This variant is considered pathogenic. This variant creates a termination codon and is predicted to result in premature protein truncation.

Labcorp Genetics (formerly Invitae), Labcorp
Classification: Pathogenic for Familial cancer of breast; Fanconi anemia complementation group J. Last evaluated: 2020-03-14. Review status: criteria provided, single submitter. Criteria: Invitae Variant Classification Sherloc (09022015). Collection method: clinical testing. Allele origin: germline.
Comment: This variant is not present in population databases (ExAC no frequency). This sequence change creates a premature translational stop signal (p.Tyr353*) in the BRIP1 gene. It is expected to result in an absent or disrupted protein product. For these reasons, this variant has been classified as Pathogenic. Loss-of-function variants in BRIP1 are known to be pathogenic (PMID: 16116423, 17033622, 21964575). This variant has been observed in individual(s) with ovarian cancer (PMID: 26315354). This variant is also known as c.1058insA in the literature.

Literature cited by the submitters: PubMed 16116423 (cited by Labcorp Genetics (formerly Invitae), Labcorp); PubMed 17033622 (cited by Labcorp Genetics (formerly Invitae), Labcorp); PubMed 21964575 (cited by Labcorp Genetics (formerly Invitae), Labcorp); PubMed 26315354 (cited by Labcorp Genetics (formerly Invitae), Labcorp).

NM_032043.3(BRIP1):c.1058dup (p.Tyr353Ter)

Gene: BRIP1 (BRCA1 interacting DNA helicase 1; minus strand). Cytogenetic location: 17q23.2.
Variant type: Duplication.
Coding change: c.1058dup on transcript NM_032043.3 (MANE Select); coding-DNA position 1058, one base duplicated (A; older notation c.1058dupA).
Protein change: p.Tyr353Ter; replaces tyrosine 353 with a stop codon.
Molecular consequence: nonsense.
Genome position (GRCh38, 1-based): chr17:61,801,335, T duplicated on the plus strand (A on the coding strand, the reverse complement: BRIP1 is on the minus strand). VCF-style (leftmost placement, unchanged base first): chr17-61801334-G-GT. GRCh37 (hg19) VCF-style: chr17-59878695-G-GT.
Other names: short protein forms Y353*.
Identifiers: ClinVar variation 1076496 (VCV001076496.11), dbSNP rs2145335621, ClinGen allele CA2499224807.